The following is an entry in ClinVar:

NM_004937.3(CTNS):c.*1595C>T

Gene: CTNS (cystinosin, lysosomal cystine transporter; plus strand). Cytogenetic location: 17p13.2.
Variant type: single nucleotide variant.
Coding change: c.*1595C>T on transcript NM_004937.3 (MANE Select); 1595 bases downstream of the stop codon, C replaced by T.
Molecular consequence: 3 prime UTR variant.
Genome position (GRCh38, 1-based): chr17:3,661,964, C>T. VCF-style: chr17-3661964-C-T. GRCh37 (hg19) VCF-style: chr17-3565258-C-T.
Other names: c.*1230C>T (NM_001031681.3, NM_001374492.1); c.*1595C>T (NM_001374493.1, NM_001374494.1, NM_001374495.1 and 1 more transcripts).
Identifiers: ClinVar variation 322896 (VCV000322896.5), dbSNP rs112299490, ClinGen allele CA10649981.

ClinVar aggregate classification (germline): Benign. Review status: criteria provided, single submitter (1 of 4 stars). 2 submissions from 1 submitter: Benign (2). Last evaluated 2018-01-12.

Conditions:
Ocular cystinosis. Also called: Non-Nephropathic (Ocular) Cystinosis; Non-Nephropathic Cystinosis. Identifiers: Orphanet 213, Orphanet 411641, MedGen C2931013, MONDO:0009064, OMIM 219750.
Nephropathic cystinosis (CTNS). Also called: CYSTINOSIN, DEFECT OF; LYSOSOMAL CYSTINE TRANSPORT PROTEIN, DEFECT OF; Abderhalden Lignac Kaufmann disease; Abderhalden-Kaufmann-Lignac syndrome. Identifiers: Orphanet 213, Orphanet 411629, MedGen C2931187, MONDO:0100151, OMIM 219800.

Allele frequency attached by ClinVar (database versions not stated): 1000 Genomes Project 0.03355; gnomAD 0.03620 and 0.03812; 1000 Genomes Project 30x 0.03623; TOPMed 0.03716.
gnomAD v4.1: 5,511 of 152,286 alleles (3.6%); highest among the groups gnomAD compares: African/African-American, 8.7%; 183 homozygotes.

Submissions (2):

Illumina Laboratory Services, Illumina
Classification: Benign for Ocular cystinosis. Last evaluated: 2018-01-12. Review status: criteria provided, single submitter. Criteria: ICSL Variant Classification Criteria 13 December 2019. Collection method: clinical testing. Allele origin: germline.
Comment: This variant was observed in the ICSL laboratory as part of a predisposition screen in an ostensibly healthy population. It had not been previously curated by ICSL or reported in the Human Gene Mutation Database (HGMD: prior to June 1st, 2018), and was therefore a candidate for classification through an automated scoring system. Utilizing variant allele frequency, disease prevalence and penetrance estimates, and inheritance mode, an automated score was calculated to assess if this variant is too frequent to cause the disease. Based on the score and internal cut-off values, a variant classified as benign is not then subjected to further curation. The score for this variant resulted in a classification of benign for this disease.

Illumina Laboratory Services, Illumina
Classification: Benign for Nephropathic cystinosis. Last evaluated: 2018-01-12. Review status: criteria provided, single submitter. Criteria: ICSL Variant Classification Criteria 13 December 2019. Collection method: clinical testing. Allele origin: germline.
Comment: the same text as in the submission from Illumina Laboratory Services, Illumina above.